The following is an entry in ClinVar:

ClinVar aggregate classification (germline): Uncertain significance (1 of 4 stars; one submission).

Submission:

Labcorp Genetics (formerly Invitae), Labcorp
Classification: Uncertain significance. Last evaluated: 2022-05-25. Review status: criteria provided, single submitter. Criteria: Invitae Variant Classification Sherloc (09022015). Collection method: clinical testing. Allele origin: germline.
Comment: In summary, the available evidence is currently insufficient to determine the role of this variant in disease. Therefore, it has been classified as a Variant of Uncertain Significance. Algorithms developed to predict the effect of missense changes on protein structure and function are either unavailable or do not agree on the potential impact of this missense change (SIFT: "Deleterious"; PolyPhen-2: "Possibly Damaging"; Align-GVGD: "Class C0"). This missense change has been observed in individual(s) with clinical features of retinitis pigmentosa (Invitae). This variant is not present in population databases (gnomAD no frequency). This sequence change replaces threonine, which is neutral and polar, with isoleucine, which is neutral and non-polar, at codon 4927 of the USH2A protein (p.Thr4927Ile).

NM_206933.4(USH2A):c.14780C>T (p.Thr4927Ile)

Gene: USH2A (usherin; minus strand). Cytogenetic location: 1q41.
Variant type: single nucleotide variant.
Coding change: c.14780C>T on transcript NM_206933.4 (MANE Select); coding-DNA position 14780, C replaced by T.
Protein change: p.Thr4927Ile; replaces threonine 4927 with isoleucine.
Molecular consequence: missense variant.
Genome position (GRCh38, 1-based): chr1:215,647,533, G>A on the plus strand (C>T on the coding strand, the complement: USH2A is on the minus strand). VCF-style: chr1-215647533-G-A. GRCh37 (hg19) VCF-style: chr1-215820875-G-A.
Other names: short protein forms T4927I.
Identifiers: ClinVar variation 1998943 (VCV001998943.4), dbSNP rs2464811140, ClinGen allele CA344830742.